The following is an entry in ClinVar:

NM_001378454.1(ALMS1):c.5294C>G (p.Pro1765Arg)

Gene: ALMS1 (ALMS1 centrosome and basal body associated protein; plus strand). Cytogenetic location: 2p13.1.
Variant type: single nucleotide variant.
Coding change: c.5294C>G on transcript NM_001378454.1 (MANE Select); coding-DNA position 5294, C replaced by G.
Protein change: p.Pro1765Arg; replaces proline 1765 with arginine.
Molecular consequence: missense variant.
Genome position (GRCh38, 1-based): chr2:73,451,821, C>G. VCF-style: chr2-73451821-C-G. GRCh37 (hg19) VCF-style: chr2-73678948-C-G.
Other names: c.5297C>G, p.Pro1766Arg (NM_015120.4); short protein forms P1765R, P1766R.
Identifiers: ClinVar variation 1436931 (VCV001436931.6), dbSNP rs1328622266, ClinGen allele CA347280779.

ClinVar aggregate classification (germline): Uncertain significance (1 of 4 stars; one submission).

Conditions:
Alstrom syndrome (ALMS). Identifiers: Orphanet 64, MedGen C0268425, MONDO:0008763, OMIM 203800.

Submission:

Labcorp Genetics (formerly Invitae), Labcorp
Classification: Uncertain significance for Alstrom syndrome. Last evaluated: 2021-07-28. Review status: criteria provided, single submitter. Criteria: Invitae Variant Classification Sherloc (09022015). Collection method: clinical testing. Allele origin: germline.
Comment: This sequence change replaces proline with arginine at codon 1766 of the ALMS1 protein (p.Pro1766Arg). The proline residue is weakly conserved and there is a moderate physicochemical difference between proline and arginine. In summary, the available evidence is currently insufficient to determine the role of this variant in disease. Therefore, it has been classified as a Variant of Uncertain Significance. Experimental studies and prediction algorithms are not available or were not evaluated, and the functional significance of this variant is currently unknown. This variant has not been reported in the literature in individuals affected with ALMS1-related conditions. This variant is not present in population databases (ExAC no frequency).